The following is an entry in ClinVar:

NM_002907.4(RECQL):c.1442A>T (p.Asp481Val)

Gene: RECQL (RecQ like helicase; minus strand). Cytogenetic location: 12p12.1.
Variant type: single nucleotide variant.
Coding change: c.1442A>T on transcript NM_002907.4 (MANE Select); coding-DNA position 1442, A replaced by T.
Protein change: p.Asp481Val; replaces aspartic acid 481 with valine.
Molecular consequence: missense variant.
Genome position (GRCh38, 1-based): chr12:21,473,556, T>A on the plus strand (A>T on the coding strand, the complement: RECQL is on the minus strand). VCF-style: chr12-21473556-T-A. GRCh37 (hg19) VCF-style: chr12-21626490-T-A.
Other names: c.1442A>T, p.Asp481Val (NM_032941.3); short protein forms D481V.
Identifiers: ClinVar variation 2565564 (VCV002565564.5), dbSNP rs2540334036, ClinGen allele CA384117237.

ClinVar aggregate classification (germline): Uncertain significance. Review status: criteria provided, multiple submitters, no conflicts (2 of 4 stars). 2 submissions from 2 submitters: Uncertain significance (2). Last evaluated 2025-12-21.

Allele frequency attached by ClinVar (database versions not stated): gnomAD exomes 0.00001.
gnomAD v4.1: 3 of 1,611,534 alleles (0.00019%); highest among the groups gnomAD compares: Non-Finnish European, 0.00025%; no homozygotes.

Submissions (2):

Ambry Genetics
Classification: Uncertain significance. Last evaluated: 2025-12-21. Review status: criteria provided, single submitter. Criteria: Ambry Variant Classification Scheme 2023. Collection method: clinical testing. Allele origin: germline.
Comment: The p.D481V variant (also known as c.1442A>T), located in coding exon 11 of the RECQL gene, results from an A to T substitution at nucleotide position 1442. The aspartic acid at codon 481 is replaced by valine, an amino acid with highly dissimilar properties. This amino acid position is conserved. In addition, this alteration is predicted to be tolerated by in silico analysis. Since supporting evidence is limited at this time, the clinical significance of this alteration remains unclear.

Labcorp Genetics (formerly Invitae), Labcorp
Classification: Uncertain significance. Last evaluated: 2024-09-03. Review status: criteria provided, single submitter. Criteria: Invitae Variant Classification Sherloc (09022015). Collection method: clinical testing. Allele origin: germline.
Comment: This sequence change replaces aspartic acid, which is acidic and polar, with valine, which is neutral and non-polar, at codon 481 of the RECQL protein (p.Asp481Val). This variant is not present in population databases (gnomAD no frequency). This variant has not been reported in the literature in individuals affected with RECQL-related conditions. ClinVar contains an entry for this variant (Variation ID: 2565564). Invitae Evidence Modeling of protein sequence and biophysical properties (such as structural, functional, and spatial information, amino acid conservation, physicochemical variation, residue mobility, and thermodynamic stability) indicates that this missense variant is not expected to disrupt RECQL protein function with a negative predictive value of 80%. In summary, the available evidence is currently insufficient to determine the role of this variant in disease. Therefore, it has been classified as a Variant of Uncertain Significance.